The following is an entry in ClinVar:

ClinVar aggregate classification (germline): Benign/Likely benign. Review status: criteria provided, multiple submitters, no conflicts (2 of 4 stars). 2 submissions from 2 submitters: Benign (1); Likely benign (1). Last evaluated 2024-05-15.

Conditions:
Hereditary cancer-predisposing syndrome. Also called: Neoplastic Syndromes, Hereditary; Hereditary neoplastic syndrome; Tumor predisposition; Hereditary Cancer Syndrome. Identifiers: Orphanet 140162, MedGen C0027672, MeSH D009386, MONDO:0015356.
Familial cancer of breast. Also called: BREAST CANCER, FAMILIAL; hereditary breast carcinoma; Hereditary breast cancer. Identifiers: Orphanet 227535, MedGen C0346153, MONDO:0016419, OMIM 114480. Disease mechanism: loss of function.

Submissions (2):

Myriad Genetics, Inc.
Classification: Benign for Familial cancer of breast. Last evaluated: 2024-05-15. Review status: criteria provided, single submitter. Criteria: Myriad Autosomal Dominant, Autosomal Recessive and X-Linked Classification Criteria (2023). Collection method: clinical testing. Allele origin: unknown.
Comment: This variant is considered benign. This variant is a silent/synonymous amino acid change and it is not expected to impact splicing.

Ambry Genetics
Classification: Likely benign for Hereditary cancer-predisposing syndrome. Last evaluated: 2023-03-02. Review status: criteria provided, single submitter. Criteria: Ambry Variant Classification Scheme 2023. Collection method: clinical testing. Allele origin: germline.

NM_000051.4(ATM):c.3672T>C (p.Leu1224=)

Gene: ATM (ATM serine/threonine kinase; plus strand). Cytogenetic location: 11q22.3.
Variant type: single nucleotide variant.
Coding change: c.3672T>C on transcript NM_000051.4 (MANE Select); coding-DNA position 3672, T replaced by C.
Protein change: p.Leu1224=; no amino-acid change (leucine 1224 retained).
Molecular consequence: synonymous variant.
Genome position (GRCh38, 1-based): chr11:108,282,805, T>C. VCF-style: chr11-108282805-T-C. GRCh37 (hg19) VCF-style: chr11-108153532-T-C.
Other names: c.3672T>C, p.Leu1224= (NM_001351834.2).
Identifiers: ClinVar variation 2453991 (VCV002453991.3), dbSNP rs3205813, ClinGen allele CA228366765.